The following is an entry in ClinVar:

NM_000550.3(TYRP1):c.406_407dup (p.Leu136fs)

Gene: TYRP1 (tyrosinase related protein 1; plus strand). Cytogenetic location: 9p23.
Variant type: Duplication.
Coding change: c.406_407dup on transcript NM_000550.3 (MANE Select); coding-DNA positions 406 to 407, 2 bases duplicated (TT; older notation c.406_407dupTT).
Protein change: p.Leu136fs; shifts the reading frame from leucine 136.
Molecular consequence: frameshift variant.
Genome position (GRCh38, 1-based): chr9:12,695,535-12,695,536, TT duplicated. VCF-style (leftmost placement, unchanged base first): chr9-12695534-C-CTT. GRCh37 (hg19) VCF-style: chr9-12695534-C-CTT.
Other names: short protein forms L136fs.
Identifiers: ClinVar variation 2813844 (VCV002813844.3), dbSNP rs780407909, ClinGen allele CA4985220.

ClinVar aggregate classification (germline): Pathogenic (1 of 4 stars; one submission).

Allele frequency attached by ClinVar (database versions not stated): gnomAD exomes below 0.00001; ExAC 0.00001.

Submission:

Labcorp Genetics (formerly Invitae), Labcorp
Classification: Pathogenic. Last evaluated: 2023-07-19. Review status: criteria provided, single submitter. Criteria: Invitae Variant Classification Sherloc (09022015). Collection method: clinical testing. Allele origin: germline.
Comment: This sequence change creates a premature translational stop signal (p.Leu136Phefs*2) in the TYRP1 gene. It is expected to result in an absent or disrupted protein product. Loss-of-function variants in TYRP1 are known to be pathogenic (PMID: 8651291, 9345097). This variant is present in population databases (rs780407909, gnomAD 0.003%). This variant has not been reported in the literature in individuals affected with TYRP1-related conditions. For these reasons, this variant has been classified as Pathogenic.

Literature cited by the submitters: PubMed 8651291; PubMed 9345097.